The following is an entry in ClinVar:

ClinVar aggregate classification (germline): Uncertain significance. Review status: criteria provided, multiple submitters, no conflicts (2 of 4 stars). 2 submissions from 2 submitters: Uncertain significance (2). Last evaluated 2025-12-08.

Conditions:
Atrial septal defect 3 (ASD3). Identifiers: Orphanet 1478, MedGen C3279790, MONDO:0013567, OMIM 614089.
Sick sinus syndrome 3, susceptibility to (SSS3). Identifiers: Orphanet 166282, MedGen C3279791, MONDO:0013568, OMIM 614090.
Dilated cardiomyopathy 1EE (CMD1EE). Identifiers: Orphanet 154, MedGen C2750466, MONDO:0013198, OMIM 613252.
Hypertrophic cardiomyopathy 14. Identifiers: MedGen C2750467, MONDO:0013197, OMIM 613251.
Hypertrophic cardiomyopathy 1 (CMH1). Also called: MYH7-Related Familial Hypertrophic Cardiomyopathy; Familial hypertrophic cardiomyopathy 1. Identifiers: MedGen C3495498, MONDO:0008647, OMIM 192600.

Allele frequency attached by ClinVar (database versions not stated): gnomAD exomes 0.00002 and 0.00004; ExAC 0.00003; TOPMed 0.00003.
gnomAD v4.1: 9 of 1,614,136 alleles (0.00056%); highest among the groups gnomAD compares: Admixed American, 0.015%; no homozygotes.

Submissions (2):

Labcorp Genetics (formerly Invitae), Labcorp
Classification: Uncertain significance for Hypertrophic cardiomyopathy 14. Last evaluated: 2025-12-08. Review status: criteria provided, single submitter. Criteria: Invitae Variant Classification Sherloc (09022015). Collection method: clinical testing. Allele origin: germline.
Comment: This sequence change falls in intron 31 of the MYH6 gene. It does not directly change the encoded amino acid sequence of the MYH6 protein. It affects a nucleotide within the consensus splice site. This variant is present in population databases (rs750348638, gnomAD 0.03%). This variant has not been reported in the literature in individuals affected with MYH6-related conditions. ClinVar contains an entry for this variant (Variation ID: 1038731). Variants that disrupt the consensus splice site are a relatively common cause of aberrant splicing (PMID: 17576681, 9536098). Algorithms developed to predict the effect of sequence changes on RNA splicing suggest that this variant is not likely to affect RNA splicing. In summary, the available evidence is currently insufficient to determine the role of this variant in disease. Therefore, it has been classified as a Variant of Uncertain Significance.

Fulgent Genetics
Classification: Uncertain significance for Hypertrophic cardiomyopathy 1; Hypertrophic cardiomyopathy 14; Dilated cardiomyopathy 1EE; Atrial septal defect 3; Sick sinus syndrome 3, susceptibility to. Last evaluated: 2022-02-08. Review status: criteria provided, single submitter. Criteria: ACMG Guidelines, 2015. Collection method: clinical testing. Allele origin: unknown.

Literature cited by the submitters: PubMed 17576681 (cited by Labcorp Genetics (formerly Invitae), Labcorp); PubMed 9536098 (cited by Labcorp Genetics (formerly Invitae), Labcorp).

NM_002471.4(MYH6):c.4525+3G>A

Gene: MYH6 (myosin heavy chain 6; minus strand). Cytogenetic location: 14q11.2.
Variant type: single nucleotide variant.
Coding change: c.4525+3G>A on transcript NM_002471.4 (MANE Select); 3 bases into the intron after coding-DNA position 4525, G replaced by A.
Molecular consequence: intron variant.
Genome position (GRCh38, 1-based): chr14:23,387,755, C>T on the plus strand (G>A on the coding strand, the complement: MYH6 is on the minus strand). VCF-style: chr14-23387755-C-T. GRCh37 (hg19) VCF-style: chr14-23856964-C-T.
Identifiers: ClinVar variation 1038731 (VCV001038731.7), dbSNP rs750348638, ClinGen allele CA7114742.